The following is an entry in ClinVar:

ClinVar aggregate classification (germline): Uncertain significance (1 of 4 stars; one submission).

Conditions:
Hereditary cancer-predisposing syndrome. Also called: Tumor predisposition; Hereditary Cancer Syndrome; Hereditary neoplastic syndrome; Neoplastic Syndromes, Hereditary. Identifiers: Orphanet 140162, MedGen C0027672, MeSH D009386, MONDO:0015356.

Submission:

Ambry Genetics
Classification: Uncertain significance for Hereditary cancer-predisposing syndrome. Last evaluated: 2024-04-01. Review status: criteria provided, single submitter. Criteria: Ambry Variant Classification Scheme 2023. Collection method: clinical testing. Allele origin: germline.
Comment: The p.S685R variant (also known as c.2055C>G), located in coding exon 12 of the DICER1 gene, results from a C to G substitution at nucleotide position 2055. The serine at codon 685 is replaced by arginine, an amino acid with dissimilar properties. This amino acid position is conserved. In addition, this alteration is predicted to be tolerated by in silico analysis. Based on the available evidence, the clinical significance of this alteration remains unclear.

NM_177438.3(DICER1):c.2055C>G (p.Ser685Arg)

Gene: DICER1 (dicer 1, ribonuclease III; minus strand). Cytogenetic location: 14q32.13.
Variant type: single nucleotide variant.
Coding change: c.2055C>G on transcript NM_177438.3 (MANE Select); coding-DNA position 2055, C replaced by G.
Protein change: p.Ser685Arg; replaces serine 685 with arginine.
Molecular consequence: missense variant. On other transcripts: non-coding transcript variant (6).
Genome position (GRCh38, 1-based): chr14:95,112,233, G>C on the plus strand (C>G on the coding strand, the complement: DICER1 is on the minus strand). VCF-style: chr14-95112233-G-C. GRCh37 (hg19) VCF-style: chr14-95578570-G-C.
Other names: c.2055C>G, p.Ser685Arg (NM_001195573.1, NM_001271282.3, NM_001291628.2 and 12 more transcripts); c.1773C>G, p.Ser591Arg (NM_001395686.1); c.1650C>G, p.Ser550Arg (NM_001395687.1, NM_001395688.1, NM_001395689.1 and 3 more transcripts); c.1488C>G, p.Ser496Arg (NM_001395691.1); c.372C>G, p.Ser124Arg (NM_001395697.1); short protein forms S550R, S496R, S591R, S124R, S685R.
Identifiers: ClinVar variation 3271995 (VCV003271995.1).